The following is an entry in ClinVar:

NM_006393.3(NEBL):c.1855C>G (p.Gln619Glu)

Gene: NEBL (nebulette; minus strand). Cytogenetic location: 10p12.31.
Variant type: single nucleotide variant.
Coding change: c.1855C>G on transcript NM_006393.3 (MANE Select); coding-DNA position 1855, C replaced by G.
Protein change: p.Gln619Glu; replaces glutamine 619 with glutamic acid.
Molecular consequence: missense variant. On other transcripts: intron variant (9).
Genome position (GRCh38, 1-based): chr10:20,826,461, G>C on the plus strand (C>G on the coding strand, the complement: NEBL is on the minus strand). VCF-style: chr10-20826461-G-C. GRCh37 (hg19) VCF-style: chr10-21115390-G-C.
Other names: c.250-13521C>G (NM_001377326.1, NM_001377327.1, NM_001377328.1); c.358-13521C>G (NM_213569.2, NM_001173484.2, NM_001377322.1); c.301-13521C>G (NM_001377324.1); c.292-13521C>G (NM_001377325.1); c.310-13521C>G (NM_001377323.1); short protein forms Q619E.
Identifiers: ClinVar variation 4740450 (VCV004740450.1).

ClinVar aggregate classification (germline): Uncertain significance (1 of 4 stars; one submission).

Conditions:
Primary dilated cardiomyopathy (DCM). Also called: Dilated Cardiomyopathy. Identifiers: Orphanet 217604, MedGen C0007193, MeSH D002311, MONDO:0005021, HP:0001644. Inheritance: Various modes of inheritance.

Submission:

Labcorp Genetics (formerly Invitae), Labcorp
Classification: Uncertain significance for Primary dilated cardiomyopathy. Last evaluated: 2025-02-11. Review status: criteria provided, single submitter. Criteria: Invitae Variant Classification Sherloc (09022015). Collection method: clinical testing. Allele origin: germline.
Comment: This sequence change replaces glutamine, which is neutral and polar, with glutamic acid, which is acidic and polar, at codon 619 of the NEBL protein (p.Gln619Glu). This variant is not present in population databases (gnomAD no frequency). This variant has not been reported in the literature in individuals affected with NEBL-related conditions. An algorithm developed to predict the effect of missense changes on protein structure and function outputs the following: PolyPhen-2: "Benign". The glutamic acid amino acid residue is found in multiple mammalian species, which suggests that this missense change does not adversely affect protein function. In summary, the available evidence is currently insufficient to determine the role of this variant in disease. Therefore, it has been classified as a Variant of Uncertain Significance.